The following is an entry in ClinVar:

NM_000722.4(CACNA2D1):c.3134A>C (p.Asp1045Ala)

Gene: CACNA2D1 (calcium voltage-gated channel auxiliary subunit alpha2delta 1; minus strand). Cytogenetic location: 7q21.11.
Variant type: single nucleotide variant.
Coding change: c.3134A>C on transcript NM_000722.4 (MANE Select); coding-DNA position 3134, A replaced by C.
Protein change: p.Asp1045Ala; replaces aspartic acid 1045 with alanine.
Molecular consequence: missense variant.
Genome position (GRCh38, 1-based): chr7:81,959,300, T>G on the plus strand (A>C on the coding strand, the complement: CACNA2D1 is on the minus strand). VCF-style: chr7-81959300-T-G. GRCh37 (hg19) VCF-style: chr7-81588616-T-G.
Other names: p.Asp1045Ala; c.3170A>C, p.Asp1057Ala (NM_001366867.1); c.3134A>C (LRG_437t1); short protein forms D1045A, D1057A.
Identifiers: ClinVar variation 263797 (VCV000263797.32), dbSNP rs35131433, ClinGen allele CA4317377.
Genomic context (GRCh38, chr7:81,959,300, plus strand): 5'-TATAGTATTTTAATCCAGTAGAAGTGTGATCTTACCAAGACATTGTTATCAAAGCAGACA[T>G]CAGGCCCTTTTCGGTATCTGGGTTGCTTAACCATGTCACAAGGATTTGGACCGTCAGCTA-3'
Protein context (NP_000713.2, residues 1035-1055): VKQPRYRKGP[Asp1045Ala]VCFDNNVLED

ClinVar aggregate classification (germline): Benign/Likely benign. Review status: criteria provided, multiple submitters, no conflicts (2 of 4 stars). 11 submissions from 11 submitters: Benign (3); Likely benign (5). 3 of the submissions do not count toward it. Last evaluated 2026-07-01.

Conditions:
Cardiovascular phenotype. Identifiers: MedGen CN230736.
Brugada syndrome. Also called: Sudden unexpected nocturnal death syndrome; Sudden unexplained nocturnal death syndrome; Sudden Unexplained Death Syndrome; Sudden Unexplained Nocturnal Death Syndrome (SUNDS). Identifiers: Orphanet 130, MedGen C1142166, MONDO:0015263.

Allele frequency attached by ClinVar (database versions not stated): 1000 Genomes Project 0.00180; 1000 Genomes Project 30x 0.00234; ExAC 0.00281; gnomAD exomes 0.00299 and 0.00545; TOPMed 0.00339; gnomAD 0.00368 and 0.00374; ESP Exome Variant Server 0.00507.
gnomAD v4.1: 8,371 of 1,610,030 alleles (0.52%); highest among the groups gnomAD compares: Non-Finnish European, 0.67%; 38 homozygotes.

Submissions (11):

CeGaT Center for Human Genetics Tuebingen
Classification: Likely benign. Last evaluated: 2026-07-01. Review status: criteria provided, single submitter. Criteria: CeGaT Center For Human Genetics Tuebingen Variant Classification Criteria Version 2. Collection method: clinical testing. Allele origin: germline. Affected: yes. Observed: 6 variant alleles.
Comment: CACNA2D1: PP2, BS2

Labcorp Genetics (formerly Invitae), Labcorp
Classification: Benign for Brugada syndrome. Last evaluated: 2026-01-27. Review status: criteria provided, single submitter. Criteria: Invitae Variant Classification Sherloc (09022015). Collection method: clinical testing. Allele origin: germline.

Blueprint Genetics
Classification: Likely benign. Last evaluated: 2024-11-22. Review status: criteria provided, single submitter. Criteria: ACMG Guidelines, 2015. Collection method: clinical testing. Allele origin: germline.

Mayo Clinic Laboratories, Mayo Clinic
Classification: Benign. Last evaluated: 2024-10-17. Review status: criteria provided, single submitter. Criteria: ACMG Guidelines, 2015. Collection method: clinical testing. Allele origin: germline. Observed: 6 variant alleles.
Comment: BS1, BS2

GeneDx
Classification: Likely benign. Last evaluated: 2017-12-05. Review status: criteria provided, single submitter. Criteria: GeneDx Variant Classification (06012015). Collection method: clinical testing. Allele origin: germline. Affected: yes.
Comment: This variant is considered likely benign or benign based on one or more of the following criteria: it is a conservative change, it occurs at a poorly conserved position in the protein, it is predicted to be benign by multiple in silico algorithms, and/or has population frequency not consistent with disease.

Ambry Genetics
Classification: Benign for Cardiovascular phenotype. Last evaluated: 2015-03-09. Review status: criteria provided, single submitter. Criteria: Ambry Variant Classification Scheme 2023. Collection method: clinical testing. Allele origin: germline.

Breakthrough Genomics
Classification: Likely benign. Review status: criteria provided, single submitter. Criteria: ACMG Guidelines, 2015. Collection method: not provided. Allele origin: germline. Inheritance: Autosomal recessive inheritance. Affected: yes.

Molecular Diagnostic Laboratory for Inherited Cardiovascular Disease, Montreal Heart Institute
Classification: Likely benign. Review status: criteria provided, single submitter. Criteria: ACMG Guidelines, 2015. Collection method: clinical testing. Allele origin: germline. Affected: yes.

Clinical Genetics, Academic Medical Center
Classification: Benign. Review status: no assertion criteria provided. Collection method: clinical testing. Allele origin: germline. Affected: yes. Study: VKGL Data-share Consensus. Not counted in ClinVar's aggregate classification.

Genome Diagnostics Laboratory, University Medical Center Utrecht
Classification: Benign. Review status: no assertion criteria provided. Collection method: clinical testing. Allele origin: germline. Affected: yes. Study: VKGL Data-share Consensus. Not counted in ClinVar's aggregate classification.

Joint Genome Diagnostic Labs from Nijmegen and Maastricht, Radboudumc and MUMC+
Classification: Benign. Review status: no assertion criteria provided. Collection method: clinical testing. Allele origin: germline. Affected: yes. Study: VKGL Data-share Consensus. Not counted in ClinVar's aggregate classification.